The following is an entry in ClinVar:

NM_005120.3(MED12):c.6267+3A>C

Gene: MED12 (mediator complex subunit 12; plus strand). Cytogenetic location: Xq13.1.
Variant type: single nucleotide variant.
Coding change: c.6267+3A>C on transcript NM_005120.3 (MANE Select); 3 bases into the intron after coding-DNA position 6267, A replaced by C.
Molecular consequence: intron variant.
Genome position (GRCh38, 1-based): chrX:71,140,860, A>C. VCF-style: chrX-71140860-A-C. GRCh37 (hg19) VCF-style: chrX-70360710-A-C.
Identifiers: ClinVar variation 967592 (VCV000967592.8), dbSNP rs2092345559, ClinGen allele CA1139667625.
Genomic context (GRCh38, chrX:71,140,860, plus strand): 5'-GCAGCAGCAGCAGCAGCAGTACCACATCCGGCAGCAGCAGCAGCAGCAGATCCTGCGGGT[A>C]AGGCACTGGGATTTCATCTGGGACCTGGGAGCCCAGGGAGGAAGAGAGGCACAAGTTCTT-3'

ClinVar aggregate classification (germline): Uncertain significance (1 of 4 stars; one submission).

Conditions:
FG syndrome (FGS). Identifiers: MedGen C0220769, MONDO:0002010.

Submission:

Labcorp Genetics (formerly Invitae), Labcorp
Classification: Uncertain significance for FG syndrome. Last evaluated: 2019-10-29. Review status: criteria provided, single submitter. Criteria: Invitae Variant Classification Sherloc (09022015). Collection method: clinical testing. Allele origin: germline.
Comment: In summary, the available evidence is currently insufficient to determine the role of this variant in disease. Therefore, it has been classified as a Variant of Uncertain Significance. Nucleotide substitutions within the consensus splice site are a relatively common cause of aberrant splicing (PMID: 17576681, 9536098). Algorithms developed to predict the effect of sequence changes on RNA splicing suggest that this variant may disrupt the consensus splice site, but this prediction has not been confirmed by published transcriptional studies. This variant has not been reported in the literature in individuals with MED12-related conditions. This variant is not present in population databases (ExAC no frequency). This sequence change falls in intron 42 of the MED12 gene. It does not directly change the encoded amino acid sequence of the MED12 protein, but it affects a nucleotide within the consensus splice site of the intron.

Literature cited by the submitters: PubMed 17576681; PubMed 9536098.